The following is an entry in ClinVar:

NM_001849.4(COL6A2):c.1053+4dup

Gene: COL6A2 (collagen type VI alpha 2 chain; plus strand). Cytogenetic location: 21q22.3.
Variant type: Duplication.
Coding change: c.1053+4dup on transcript NM_001849.4 (MANE Select); 4 bases into the intron after coding-DNA position 1053, one base duplicated (A; older notation c.1053+4dupA).
Molecular consequence: intron variant.
Genome position (GRCh38, 1-based): chr21:46,117,457, A duplicated; the last of 2 consecutive A bases (chr21:46,117,456-46,117,457); duplicating either gives the same sequence. VCF-style (leftmost placement, unchanged base first): chr21-46117455-T-TA. GRCh37 (hg19) VCF-style: chr21-47537369-T-TA.
Other names: c.1053+4dup (NM_058175.3, NM_058174.3).
Identifiers: ClinVar variation 2840977 (VCV002840977.3), dbSNP rs2516998740, ClinGen allele CA2739267729.

ClinVar aggregate classification (germline): Uncertain significance (1 of 4 stars; one submission).

Conditions:
Bethlem myopathy 1A. Also called: Bethlem myopathy 1; MYOPATHY, BENIGN CONGENITAL, WITH CONTRACTURES; Bethlem Muscular Dystrophy. Identifiers: Orphanet 610, MedGen CN029274, MONDO:0024530, OMIM 158810.

Submission:

Labcorp Genetics (formerly Invitae), Labcorp
Classification: Uncertain significance for Bethlem myopathy 1A. Last evaluated: 2023-02-26. Review status: criteria provided, single submitter. Criteria: Invitae Variant Classification Sherloc (09022015). Collection method: clinical testing. Allele origin: germline.
Comment: This sequence change falls in intron 11 of the COL6A2 gene. It does not directly change the encoded amino acid sequence of the COL6A2 protein. It affects a nucleotide within the consensus splice site. This variant is not present in population databases (gnomAD no frequency). This variant has not been reported in the literature in individuals affected with COL6A2-related conditions. Variants that disrupt the consensus splice site are a relatively common cause of aberrant splicing (PMID: 17576681, 9536098). Algorithms developed to predict the effect of sequence changes on RNA splicing suggest that this variant is not likely to affect RNA splicing. In summary, the available evidence is currently insufficient to determine the role of this variant in disease. Therefore, it has been classified as a Variant of Uncertain Significance.

Literature cited by the submitters: PubMed 17576681; PubMed 9536098.